The following is an entry in ClinVar:

ClinVar aggregate classification (germline): Uncertain significance (1 of 4 stars; one submission).

Allele frequency attached by ClinVar (database versions not stated): TOPMed below 0.00001.
gnomAD v4.1: 3 of 1,613,776 alleles (0.00019%); highest among the groups gnomAD compares: Non-Finnish European, 0.00025%; no homozygotes.

Submission:

Labcorp Genetics (formerly Invitae), Labcorp
Classification: Uncertain significance. Last evaluated: 2022-10-17. Review status: criteria provided, single submitter. Criteria: Invitae Variant Classification Sherloc (09022015). Collection method: clinical testing. Allele origin: germline.
Comment: This sequence change replaces isoleucine, which is neutral and non-polar, with valine, which is neutral and non-polar, at codon 854 of the SAMD9 protein (p.Ile854Val). This variant is not present in population databases (gnomAD no frequency). This variant has not been reported in the literature in individuals affected with SAMD9-related conditions. Advanced modeling of protein sequence and biophysical properties (such as structural, functional, and spatial information, amino acid conservation, physicochemical variation, residue mobility, and thermodynamic stability) performed at Invitae indicates that this missense variant is not expected to disrupt SAMD9 protein function. In summary, the available evidence is currently insufficient to determine the role of this variant in disease. Therefore, it has been classified as a Variant of Uncertain Significance.

NM_017654.4(SAMD9):c.2560A>G (p.Ile854Val)

Gene: SAMD9 (sterile alpha motif domain containing 9; minus strand). Cytogenetic location: 7q21.2.
Variant type: single nucleotide variant.
Coding change: c.2560A>G on transcript NM_017654.4 (MANE Select); coding-DNA position 2560, A replaced by G.
Protein change: p.Ile854Val; replaces isoleucine 854 with valine.
Molecular consequence: missense variant.
Genome position (GRCh38, 1-based): chr7:93,103,538, T>C on the plus strand (A>G on the coding strand, the complement: SAMD9 is on the minus strand). VCF-style: chr7-93103538-T-C. GRCh37 (hg19) VCF-style: chr7-92732851-T-C.
Other names: c.2560A>G, p.Ile854Val (NM_001193307.2); short protein forms I854V.
Identifiers: ClinVar variation 2006983 (VCV002006983.1), dbSNP rs902827679, ClinGen allele CA161991477.